The following is an entry in ClinVar:

ClinVar aggregate classification (germline): Uncertain significance (1 of 4 stars; one submission).

Submission:

Ambry Genetics
Classification: Uncertain significance. Last evaluated: 2026-04-26. Review status: criteria provided, single submitter. Criteria: Ambry Variant Classification Scheme 2023. Collection method: clinical testing. Allele origin: germline.
Comment: The p.E519G variant (also known as c.1556A>G), located in coding exon 2 of the CDK12 gene, results from an A to G substitution at nucleotide position 1556. The glutamic acid at codon 519 is replaced by glycine, an amino acid with similar properties. This amino acid position is conserved. In addition, this alteration is predicted to be tolerated by in silico analysis. Based on the available evidence, the clinical significance of this variant remains unclear.

NM_016507.4(CDK12):c.1556A>G (p.Glu519Gly)

Gene: CDK12 (cyclin dependent kinase 12; plus strand). Cytogenetic location: 17q12.
Variant type: single nucleotide variant.
Coding change: c.1556A>G on transcript NM_016507.4 (MANE Select); coding-DNA position 1556, A replaced by G.
Protein change: p.Glu519Gly; replaces glutamic acid 519 with glycine.
Molecular consequence: missense variant.
Genome position (GRCh38, 1-based): chr17:39,471,388, A>G. VCF-style: chr17-39471388-A-G. GRCh37 (hg19) VCF-style: chr17-37627641-A-G.
Other names: c.1556A>G, p.Glu519Gly (NM_015083.4); short protein forms E519G.
Identifiers: ClinVar variation 4868510 (VCV004868510.1).